The following is an entry in ClinVar:

NM_198965.2(PTHLH):c.422G>A (p.Arg141Gln)

Gene: PTHLH (parathyroid hormone like hormone; minus strand). Cytogenetic location: 12p11.22.
Variant type: single nucleotide variant.
Coding change: c.422G>A on transcript NM_198965.2 (MANE Select); coding-DNA position 422, G replaced by A.
Protein change: p.Arg141Gln; replaces arginine 141 with glutamine.
Molecular consequence: missense variant.
Genome position (GRCh38, 1-based): chr12:27,963,450, C>T on the plus strand (G>A on the coding strand, the complement: PTHLH is on the minus strand). VCF-style: chr12-27963450-C-T. GRCh37 (hg19) VCF-style: chr12-28116383-C-T.
Other names: c.422G>A, p.Arg141Gln (NM_002820.3, NM_198964.2, NM_198966.2); short protein forms R141Q.
Identifiers: ClinVar variation 1473381 (VCV001473381.8), dbSNP rs2120630661, ClinGen allele CA384338844.

ClinVar aggregate classification (germline): Uncertain significance (1 of 4 stars; one submission).

Submission:

Labcorp Genetics (formerly Invitae), Labcorp
Classification: Uncertain significance. Last evaluated: 2024-02-17. Review status: criteria provided, single submitter. Criteria: Invitae Variant Classification Sherloc (09022015). Collection method: clinical testing. Allele origin: germline.
Comment: This sequence change replaces arginine, which is basic and polar, with glutamine, which is neutral and polar, at codon 141 of the PTHLH protein (p.Arg141Gln). This variant is not present in population databases (gnomAD no frequency). This variant has not been reported in the literature in individuals affected with PTHLH-related conditions. ClinVar contains an entry for this variant (Variation ID: 1473381). An algorithm developed to predict the effect of missense changes on protein structure and function (PolyPhen-2) suggests that this variant is likely to be disruptive. In summary, the available evidence is currently insufficient to determine the role of this variant in disease. Therefore, it has been classified as a Variant of Uncertain Significance.